The following is an entry in ClinVar:

NM_000138.5(FBN1):c.6783_6784insT (p.Gln2262fs)

Gene: FBN1 (fibrillin 1; minus strand). Cytogenetic location: 15q21.1.
Variant type: Insertion.
Coding change: c.6783_6784insT on transcript NM_000138.5 (MANE Select); coding-DNA positions 6783 to 6784, T inserted.
Protein change: p.Gln2262fs; shifts the reading frame from glutamine 2262.
Molecular consequence: frameshift variant.
Genome position: GRCh38 VCF-style: chr15-48430758-G-GA. GRCh37 (hg19) VCF-style: chr15-48722955-G-GA.
Other names: short protein forms Q2262fs.
Identifiers: ClinVar variation 948319 (VCV000948319.7), dbSNP rs2043017815, ClinGen allele CA1139663930.

ClinVar aggregate classification (germline): Pathogenic (1 of 4 stars; one submission).

Conditions:
Familial thoracic aortic aneurysm and aortic dissection (TAAD). Also called: Thoracic aortic aneurysms and dissections. Identifiers: Orphanet 91387, MedGen C4707243, MONDO:0019625.
Marfan syndrome (MFS). Also called: Marfan syndrome, classic; Marfan syndrome type 1; Marfan's syndrome; FBN1-Related Marfan Syndrome; MARFAN SYNDROME, TYPE I. Identifiers: Orphanet 284963, Orphanet 558, MedGen C0024796, MONDO:0007947, OMIM 154700.

Submission:

Labcorp Genetics (formerly Invitae), Labcorp
Classification: Pathogenic for Marfan syndrome; Familial thoracic aortic aneurysm and aortic dissection. Last evaluated: 2019-04-24. Review status: criteria provided, single submitter. Criteria: Invitae Variant Classification Sherloc (09022015). Collection method: clinical testing. Allele origin: germline.
Comment: For these reasons, this variant has been classified as Pathogenic. Loss-of-function variants in FBN1 are known to be pathogenic (PMID: 17657824, 19293843). This variant has not been reported in the literature in individuals with FBN1-related conditions. This variant is not present in population databases (ExAC no frequency). This sequence change creates a premature translational stop signal (p.Gln2262Serfs*24) in the FBN1 gene. It is expected to result in an absent or disrupted protein product.

Literature cited by the submitters: PubMed 17657824; PubMed 19293843.